The following is an entry in ClinVar:

ClinVar aggregate classification (germline): Benign (1 of 4 stars; one submission).

Allele frequency attached by ClinVar (database versions not stated): TOPMed 0.28650; 1000 Genomes Project 30x 0.30918; 1000 Genomes Project 0.31530.
gnomAD v4.1: 470,218 of 1,404,514 alleles (33%); highest among the groups gnomAD compares: South Asian, 37%; 78,900 homozygotes.

Submission:

Unidad de Genómica Garrahan, Hospital de Pediatría Garrahan
Classification: Benign. Last evaluated: 2024-01-24. Review status: criteria provided, single submitter. Criteria: ACMG Guidelines, 2015. Collection method: clinical testing. Allele origin: germline. Affected: no. Observed: 50 variant alleles.
Comment: This variant is classified as Benign based on local population frequency. This variant was detected in 53% of patients studied by a panel of primary immunodeficiencies. Number of patients: 50. Only high quality variants are reported.

NM_003177.7(SYK):c.417+79A>G

Gene: SYK (spleen associated tyrosine kinase; plus strand). Cytogenetic location: 9q22.2.
Variant type: single nucleotide variant.
Coding change: c.417+79A>G on transcript NM_003177.7 (MANE Select); 79 bases into the intron after coding-DNA position 417, A replaced by G.
Molecular consequence: intron variant.
Genome position (GRCh38, 1-based): chr9:90,844,394, A>G. VCF-style: chr9-90844394-A-G. GRCh37 (hg19) VCF-style: chr9-93606676-A-G.
Other names: c.417+79A>G (NM_001174168.3, NM_001135052.4, NM_001174167.3).
Identifiers: ClinVar variation 2688110 (VCV002688110.2), dbSNP rs2278275, ClinGen allele CA15600983.